The following is an entry in ClinVar:

ClinVar aggregate classification (germline): Uncertain significance. Review status: criteria provided, multiple submitters, no conflicts (2 of 4 stars). 2 submissions from 2 submitters: Uncertain significance (2). Last evaluated 2025-11-11.

Conditions:
Inborn genetic diseases. Identifiers: MedGen C0950123, MeSH D030342.

gnomAD v4.1: 15 of 1,613,870 alleles (0.00093%); highest among the groups gnomAD compares: Admixed American, 0.02%; no homozygotes.

Submissions (2):

Labcorp Genetics (formerly Invitae), Labcorp
Classification: Uncertain significance. Last evaluated: 2025-11-11. Review status: criteria provided, single submitter. Criteria: Invitae Variant Classification Sherloc (09022015). Collection method: clinical testing. Allele origin: germline.
Comment: This sequence change replaces serine, which is neutral and polar, with arginine, which is basic and polar, at codon 1081 of the NRIP1 protein (p.Ser1081Arg). This variant is present in population databases (rs745704844, gnomAD 0.03%). This variant has not been reported in the literature in individuals affected with NRIP1-related conditions. An algorithm developed to predict the effect of missense changes on protein structure and function (PolyPhen-2) suggests that this variant is likely to be tolerated. In summary, the available evidence is currently insufficient to determine the role of this variant in disease. Therefore, it has been classified as a Variant of Uncertain Significance.

Ambry Genetics
Classification: Uncertain significance for Inborn genetic diseases. Last evaluated: 2025-10-18. Review status: criteria provided, single submitter. Criteria: Ambry Variant Classification Scheme 2023. Collection method: clinical testing. Allele origin: germline.

NM_003489.4(NRIP1):c.3241A>C (p.Ser1081Arg)

Gene: NRIP1 (nuclear receptor interacting protein 1; minus strand). Cytogenetic location: 21q11.2.
Variant type: single nucleotide variant.
Coding change: c.3241A>C on transcript NM_003489.4 (MANE Select); coding-DNA position 3241, A replaced by C.
Protein change: p.Ser1081Arg; replaces serine 1081 with arginine.
Molecular consequence: missense variant.
Genome position (GRCh38, 1-based): chr21:14,964,952, T>G on the plus strand (A>C on the coding strand, the complement: NRIP1 is on the minus strand). VCF-style: chr21-14964952-T-G. GRCh37 (hg19) VCF-style: chr21-16337273-T-G.
Other names: c.3241A>C, p.Ser1081Arg (NM_001439275.1, NM_001439276.1, NM_001439277.1 and 10 more transcripts); short protein forms S1081R.
Identifiers: ClinVar variation 4626452 (VCV004626452.2).
Genomic context (GRCh38, chr21:14,964,952, plus strand): 5'-GTGAGACACTTTCAGCAGATGAAGCCTCCCTCCAAATGTCCTTGTCTTGTGTTTCTCGAC[T>G]GGTAACAGAATTGCCTCCTTTTTGAAGCATGTAATATAGTATTGGGTTGGTTTTGGTCAA-3'
Protein context (NP_003480.2, residues 1071-1091): MLQKGGNSVT[Ser1081Arg]RETQDKDIWR